The following is an entry in ClinVar:

ClinVar aggregate classification (germline): Uncertain significance (1 of 4 stars; one submission).

Submission:

Ambry Genetics
Classification: Uncertain significance. Last evaluated: 2021-09-30. Review status: criteria provided, single submitter. Criteria: Ambry Variant Classification Scheme 2023. Collection method: clinical testing. Allele origin: germline.
Comment: The p.K4022E variant (also known as c.12064A>G), located in coding exon 85 of the PRKDC gene, results from an A to G substitution at nucleotide position 12064. The lysine at codon 4022 is replaced by glutamic acid, an amino acid with similar properties. This amino acid position is conserved. In addition, this alteration is predicted to be tolerated by in silico analysis. Since supporting evidence is limited at this time, the clinical significance of this alteration remains unclear.

NM_006904.7(PRKDC):c.12064A>G (p.Lys4022Glu)

Gene: PRKDC (protein kinase, DNA-activated, catalytic subunit; minus strand). Cytogenetic location: 8q11.21.
Variant type: single nucleotide variant.
Coding change: c.12064A>G on transcript NM_006904.7 (MANE Select); coding-DNA position 12064, A replaced by G.
Protein change: p.Lys4022Glu; replaces lysine 4022 with glutamic acid.
Molecular consequence: missense variant.
Genome position (GRCh38, 1-based): chr8:47,776,962, T>C on the plus strand (A>G on the coding strand, the complement: PRKDC is on the minus strand). VCF-style: chr8-47776962-T-C. GRCh37 (hg19) VCF-style: chr8-48689523-T-C.
Other names: c.11971A>G, p.Lys3991Glu (NM_001081640.2); short protein forms K4022E, K3991E.
Identifiers: ClinVar variation 1748753 (VCV001748753.2), dbSNP rs780137148, ClinGen allele CA371127290.